The following is an entry in ClinVar:

ClinVar aggregate classification (germline): Uncertain significance. Review status: criteria provided, multiple submitters, no conflicts (2 of 4 stars). 2 submissions from 2 submitters: Uncertain significance (2). Last evaluated 2025-10-22.

Conditions:
Inborn genetic diseases. Identifiers: MedGen C0950123, MeSH D030342.
Severe combined immunodeficiency due to DCLRE1C deficiency (RS-SCID). Also called: SCID, AUTOSOMAL RECESSIVE, T CELL-NEGATIVE, B CELL-NEGATIVE, NK CELL-POSITIVE, WITH SENSITIVITY TO IONIZING RADIATION. Identifiers: Orphanet 275, MedGen C1865371, MONDO:0011225, OMIM 602450.

Allele frequency attached by ClinVar (database versions not stated): gnomAD 0.00001; ExAC 0.00001; TOPMed 0.00002; gnomAD exomes 0.00001.
gnomAD v4.1: 39 of 1,613,658 alleles (0.0024%); highest among the groups gnomAD compares: Middle Eastern, 0.017%; no homozygotes.

Submissions (2):

Ambry Genetics
Classification: Uncertain significance for Inborn genetic diseases. Last evaluated: 2025-10-22. Review status: criteria provided, single submitter. Criteria: Ambry Variant Classification Scheme 2023. Collection method: clinical testing. Allele origin: germline.

Labcorp Genetics (formerly Invitae), Labcorp
Classification: Uncertain significance for Athabaskan severe combined immunodeficiency. Last evaluated: 2021-11-09. Review status: criteria provided, single submitter. Criteria: Invitae Variant Classification Sherloc (09022015). Collection method: clinical testing. Allele origin: germline.
Comment: This sequence change replaces proline, which is neutral and non-polar, with leucine, which is neutral and non-polar, at codon 408 of the DCLRE1C protein (p.Pro408Leu). This variant is present in population databases (rs772982087, gnomAD 0.007%). This variant has not been reported in the literature in individuals affected with DCLRE1C-related conditions. Algorithms developed to predict the effect of missense changes on protein structure and function output the following: SIFT: "Tolerated"; PolyPhen-2: "Benign"; Align-GVGD: "Class C0". The leucine amino acid residue is found in multiple mammalian species, which suggests that this missense change does not adversely affect protein function. In summary, the available evidence is currently insufficient to determine the role of this variant in disease. Therefore, it has been classified as a Variant of Uncertain Significance.

NM_001033855.3(DCLRE1C):c.1223C>T (p.Pro408Leu)

Gene: DCLRE1C (DNA cross-link repair 1C; minus strand). Cytogenetic location: 10p13.
Variant type: single nucleotide variant.
Coding change: c.1223C>T on transcript NM_001033855.3 (MANE Select); coding-DNA position 1223, C replaced by T.
Protein change: p.Pro408Leu; replaces proline 408 with leucine.
Molecular consequence: missense variant. On other transcripts: non-coding transcript variant (4).
Genome position (GRCh38, 1-based): chr10:14,909,264, G>A on the plus strand (C>T on the coding strand, the complement: DCLRE1C is on the minus strand). VCF-style: chr10-14909264-G-A. GRCh37 (hg19) VCF-style: chr10-14951263-G-A.
Other names: c.863C>T, p.Pro288Leu (NM_001033857.3, NM_001033858.3, NM_001289077.2 and 2 more transcripts); c.878C>T, p.Pro293Leu (NM_001289076.2, NM_001289078.2, NM_001350966.2 and 1 more transcripts); c.1223C>T, p.Pro408Leu (NM_001350965.2); c.1223C>T (NM_001033855.1); short protein forms P288L, P293L, P408L.
Identifiers: ClinVar variation 1437063 (VCV001437063.5), dbSNP rs772982087, ClinGen allele CA5416520.
Genomic context (GRCh38, chr10:14,909,264, plus strand): 5'-TTTTCAGGCTGCTTTTCTGATACTGCAGTCATTGAAAATACCTCAGGGTGAAAAGTTTCC[G>A]GGTATGGAACTTTGTGCCTTAAAGGTATTGGCAGAGGATCATCAAAGAGATAGTCATCTT-3'
Protein context (NP_001029027.1, residues 398-418): PIPLRHKVPY[Pro408Leu]ETFHPEVFSM